The following is an entry in ClinVar:

NM_023083.4(CAPN10):c.379C>T (p.Arg127Cys)

Gene: CAPN10 (calpain 10; plus strand). Cytogenetic location: 2q37.3.
Variant type: single nucleotide variant.
Coding change: c.379C>T on transcript NM_023083.4 (MANE Select); coding-DNA position 379, C replaced by T.
Protein change: p.Arg127Cys; replaces arginine 127 with cysteine.
Molecular consequence: missense variant.
Genome position (GRCh38, 1-based): chr2:240,590,920, C>T. VCF-style: chr2-240590920-C-T. GRCh37 (hg19) VCF-style: chr2-241530337-C-T.
Other names: c.379C>T, p.Arg127Cys (NM_023085.4); c.379C>T (NM_023083.3); short protein forms R127C.
Identifiers: ClinVar variation 2177088 (VCV002177088.5), dbSNP rs750507423, ClinGen allele CA2205457.

ClinVar aggregate classification (germline): Uncertain significance. Review status: criteria provided, multiple submitters, no conflicts (2 of 4 stars). 2 submissions from 2 submitters: Uncertain significance (2). Last evaluated 2025-12-09.

Conditions:
Inborn genetic diseases. Identifiers: MedGen C0950123, MeSH D030342.

Allele frequency attached by ClinVar (database versions not stated): gnomAD 0.00001; TOPMed 0.00001.

Submissions (2):

Ambry Genetics
Classification: Uncertain significance for Inborn genetic diseases. Last evaluated: 2025-12-09. Review status: criteria provided, single submitter. Criteria: Ambry Variant Classification Scheme 2023. Collection method: clinical testing. Allele origin: germline.

Labcorp Genetics (formerly Invitae), Labcorp
Classification: Uncertain significance. Last evaluated: 2024-10-25. Review status: criteria provided, single submitter. Criteria: Invitae Variant Classification Sherloc (09022015). Collection method: clinical testing. Allele origin: germline.
Comment: This sequence change replaces arginine, which is basic and polar, with cysteine, which is neutral and slightly polar, at codon 127 of the CAPN10 protein (p.Arg127Cys). This variant is present in population databases (rs750507423, gnomAD 0.02%). This variant has not been reported in the literature in individuals affected with CAPN10-related conditions. ClinVar contains an entry for this variant (Variation ID: 2177088). An algorithm developed to predict the effect of missense changes on protein structure and function (PolyPhen-2) suggests that this variant is likely to be disruptive. In summary, the available evidence is currently insufficient to determine the role of this variant in disease. Therefore, it has been classified as a Variant of Uncertain Significance.